The following is an entry in ClinVar:

NM_000157.4(GBA1):c.82T>C (p.Leu28=)

Gene: GBA1 (glucosylceramidase beta 1; minus strand). Cytogenetic location: 1q22.
Variant type: single nucleotide variant.
Coding change: c.82T>C on transcript NM_000157.4 (MANE Select); coding-DNA position 82, T replaced by C.
Protein change: p.Leu28=; no amino-acid change (leucine 28 retained).
Molecular consequence: synonymous variant. On other transcripts: intron variant (1).
Genome position (GRCh38, 1-based): chr1:155,240,663, A>G on the plus strand (T>C on the coding strand, the complement: GBA1 is on the minus strand). VCF-style: chr1-155240663-A-G. GRCh37 (hg19) VCF-style: chr1-155210454-A-G.
Other names: p.Leu28=; c.82T>C, p.Leu28= (NM_001005741.3, NM_001005742.3, NM_001171812.2); c.-146-586T>C (NM_001171811.2).
Identifiers: ClinVar variation 1711227 (VCV001711227.31), dbSNP rs201330214, ClinGen allele CA1141865.
Genomic context (GRCh38, chr1:155,240,663, plus strand): 5'-ACCTCCCCACTGCCTTGACTCACTCACCTGATGCCCACGACACTGCCTGAAGTAGAAGCA[A>G]TCCTGTGAGGCTGCCAGCCATGATGCTTACCCTACTCAAAGGCTTGGGACATTCCTGAGG-3'
Protein context (NP_000148.2, residues 18-38): VSIMAGSLTG[Leu28=]LLLQAVSWAS

ClinVar aggregate classification (germline): Likely benign. Review status: criteria provided, multiple submitters, no conflicts (2 of 4 stars). 2 submissions from 2 submitters: Likely benign (2). Last evaluated 2025-04-01.

Allele frequency attached by ClinVar (database versions not stated): gnomAD 0.00003; ExAC 0.00004; gnomAD exomes 0.00004; TOPMed 0.00005; ESP Exome Variant Server 0.00008.
gnomAD v4.1: 64 of 1,613,636 alleles (0.004%); highest among the groups gnomAD compares: Non-Finnish European, 0.0051%; no homozygotes.

Submissions (2):

CeGaT Center for Human Genetics Tuebingen
Classification: Likely benign. Last evaluated: 2025-04-01. Review status: criteria provided, single submitter. Criteria: CeGaT Center For Human Genetics Tuebingen Variant Classification Criteria Version 2. Collection method: clinical testing. Allele origin: germline. Affected: yes. Observed: 2 variant alleles.
Comment: GBA1: BP4, BP7

Mayo Clinic Laboratories, Mayo Clinic
Classification: Likely benign. Last evaluated: 2025-03-24. Review status: criteria provided, single submitter. Criteria: ACMG Guidelines, 2015. Collection method: clinical testing. Allele origin: germline. Observed: 1 variant allele.
Comment: BP4, BP7